The following is an entry in ClinVar:

NM_021120.4(DLG3):c.821T>C (p.Ile274Thr)

Gene: DLG3 (discs large MAGUK scaffold protein 3; plus strand). Cytogenetic location: Xq13.1.
Variant type: single nucleotide variant.
Coding change: c.821T>C on transcript NM_021120.4 (MANE Select); coding-DNA position 821, T replaced by C.
Protein change: p.Ile274Thr; replaces isoleucine 274 with threonine.
Molecular consequence: missense variant.
Genome position (GRCh38, 1-based): chrX:70,450,286, T>C. VCF-style: chrX-70450286-T-C. GRCh37 (hg19) VCF-style: chrX-69670136-T-C.
Other names: c.821T>C (NM_021120.3); short protein forms I274T.
Identifiers: ClinVar variation 1197589 (VCV001197589.6), dbSNP rs1368213856, ClinGen allele CA413492898.

ClinVar aggregate classification (germline): Uncertain significance. Review status: criteria provided, multiple submitters, no conflicts (2 of 4 stars). 2 submissions from 2 submitters: Uncertain significance (2). Last evaluated 2025-04-24.

Conditions:
Inborn genetic diseases. Identifiers: MedGen C0950123, MeSH D030342.

Allele frequency attached by ClinVar (database versions not stated): gnomAD exomes below 0.00001; TOPMed below 0.00001; gnomAD 0.00001.
gnomAD v4.1: 4 of 1,185,763 alleles (0.00034%); highest among the groups gnomAD compares: Non-Finnish European, 0.00045%; no homozygotes.

Submissions (2):

Ambry Genetics
Classification: Uncertain significance for Inborn genetic diseases. Last evaluated: 2025-04-24. Review status: criteria provided, single submitter. Criteria: Ambry Variant Classification Scheme 2023. Collection method: clinical testing. Allele origin: germline.

GeneDx
Classification: Uncertain significance. Last evaluated: 2024-07-18. Review status: criteria provided, single submitter. Criteria: GeneDx Variant Classification Process June 2021. Collection method: clinical testing. Allele origin: germline. Affected: yes.
Comment: Not observed at significant frequency in large population cohorts (gnomAD); In silico analysis supports that this missense variant has a deleterious effect on protein structure/function; Has not been previously published as pathogenic or benign to our knowledge